The following is an entry in ClinVar:

NM_002474.3(MYH11):c.2998-2A>G

Gene: MYH11 (myosin heavy chain 11; minus strand). Cytogenetic location: 16p13.11.
Variant type: single nucleotide variant.
Coding change: c.2998-2A>G on transcript NM_002474.3 (MANE Select); the canonical splice acceptor site of the intron before coding-DNA position 2998, A replaced by G.
Molecular consequence: splice acceptor variant.
Genome position (GRCh38, 1-based): chr16:15,738,690, T>C on the plus strand (A>G on the coding strand, the complement: MYH11 is on the minus strand). VCF-style: chr16-15738690-T-C. GRCh37 (hg19) VCF-style: chr16-15832547-T-C.
Other names: c.2998-2A>G (NM_022844.3); c.3019-2A>G (NM_001040114.2, NM_001040113.2).
Identifiers: ClinVar variation 2852623 (VCV002852623.3), dbSNP rs2506192228, ClinGen allele CA394864153.

ClinVar aggregate classification (germline): Likely pathogenic (1 of 4 stars; one submission).

Conditions:
Aortic aneurysm, familial thoracic 4 (AAT4). Also called: AORTIC ANEURYSM/AORTIC DISSECTION AND PATENT DUCTUS ARTERIOSUS. Identifiers: MedGen C1851504, MONDO:0007568, OMIM 132900.

Submission:

Labcorp Genetics (formerly Invitae), Labcorp
Classification: Likely pathogenic for Aortic aneurysm, familial thoracic 4. Last evaluated: 2023-04-17. Review status: criteria provided, single submitter. Criteria: Invitae Variant Classification Sherloc (09022015). Collection method: clinical testing. Allele origin: germline.
Comment: In summary, the currently available evidence indicates that the variant is pathogenic, but additional data are needed to prove that conclusively. Therefore, this variant has been classified as Likely Pathogenic. Algorithms developed to predict the effect of sequence changes on RNA splicing suggest that this variant may disrupt the consensus splice site. This variant has not been reported in the literature in individuals affected with MYH11-related conditions. This variant is not present in population databases (gnomAD no frequency). This sequence change affects an acceptor splice site in intron 24 of the MYH11 gene. It is expected to disrupt RNA splicing. Variants that disrupt the donor or acceptor splice site typically lead to a loss of protein function (PMID: 16199547), and loss-of-function variants in MYH11 are known to be pathogenic (PMID: 25407000, 29575632).

Literature cited by the submitters: PubMed 16199547; PubMed 25407000; PubMed 29575632.